The following is an entry in ClinVar:

NR_003051.3(RMRP):n.-9_-8insACTCTGTGAAGCTACTCTGTGAAGCTACTCTGTGAAGCT

Gene: RMRP (RNA component of mitochondrial RNA processing endoribonuclease; minus strand). Cytogenetic location: 9p13.3.
Variant type: Microsatellite.
Genome position: GRCh38, VCF-style position (the base before the change): chr9:35,658,026. GRCh37 (hg19), VCF-style position (the base before the change): chr9:35,658,023.
Identifiers: ClinVar variation 1354353 (VCV001354353.8), dbSNP rs751921616, ClinGen allele CA2580616187.

ClinVar aggregate classification (germline): Pathogenic/Likely pathogenic. Review status: criteria provided, multiple submitters, no conflicts (2 of 4 stars). 2 submissions from 2 submitters: Pathogenic (1); Likely pathogenic (1). Last evaluated 2025-07-01.

Conditions:
Metaphyseal chondrodysplasia, McKusick type (CHH). Also called: Cartilage-Hair Hypoplasia (CHH); Cartilage-hair hypoplasia. Identifiers: Orphanet 175, MedGen C0220748, MONDO:0009595, OMIM 250250.
Anauxetic dysplasia. Identifiers: Orphanet 93347, MedGen C1846796, MONDO:0011773.

Submissions (2):

Natera, Inc.
Classification: Likely pathogenic for Cartilage-hair hypoplasia. Last evaluated: 2025-07-01. Review status: criteria provided, single submitter. Criteria: Natera Variant Classification Schema (03/2026). Collection method: clinical testing. Allele origin: germline.
Comment: The n.-9_-8insACTCTGTGAAGCTACTCTGTGAAGCTACTCTGTGAAGCT variant in RMRP is an insertion affecting the RMRP promoter region between the TATA box and the transcription initiation site. Other duplications and insertions just upstream of the transcription initiation site have been reported in individuals affected with cartilage-hair hypoplasia (PMID: 11207361, 17937437). This variant is rare in the general population with a frequency below the threshold expected for the associated phenotype(s). Given the available evidence, this variant is classified as Likely pathogenic.

Labcorp Genetics (formerly Invitae), Labcorp
Classification: Pathogenic for Anauxetic dysplasia. Last evaluated: 2024-09-04. Review status: criteria provided, single submitter. Criteria: Invitae Variant Classification Sherloc (09022015). Collection method: clinical testing. Allele origin: germline.
Comment: This variant occurs in the RMRP gene, which encodes an RNA molecule that does not result in a protein product. This variant is not present in population databases (gnomAD no frequency). While this particular variant has not been reported in the literature, it is located in the promoter region between the TATA box and the transcription initiation site, and other insertions and duplications immediately upstream of the coding sequence have been reported in individuals affected with cartilage-hair hypoplasia-anauxetic dysplasia (CHH-AD) spectrum disorders (PMID: 16244706, 11207361, 12107819). While functional studies for this variant have not been reported, experimental analyses using patient derived cells, as well as in vitro transfection studies, have shown that promoter insertions result in silencing of RMRP transcription and reduced expression of the gene product (PMID: 11207361, 16254002). For these reasons, this variant has been classified as Pathogenic.

Literature cited by the submitters: PubMed 11207361 (cited by Natera, Inc. and Labcorp Genetics (formerly Invitae), Labcorp); PubMed 17937437 (cited by Natera, Inc.); PubMed 16244706 (cited by Labcorp Genetics (formerly Invitae), Labcorp); PubMed 12107819 (cited by Labcorp Genetics (formerly Invitae), Labcorp); PubMed 16254002 (cited by Labcorp Genetics (formerly Invitae), Labcorp).